The following is an entry in ClinVar:

ClinVar aggregate classification (germline): Likely benign. Review status: criteria provided, multiple submitters, no conflicts (2 of 4 stars). 2 submissions from 2 submitters: Likely benign (2). Last evaluated 2026-06-04.

Conditions:
LOXHD1-related disorder. Also called: LOXHD1-related condition.

Allele frequency attached by ClinVar (database versions not stated): ESP Exome Variant Server 0.00022.
gnomAD v4.1: 96 of 1,551,878 alleles (0.0062%); highest among the groups gnomAD compares: African/African-American, 0.11%; no homozygotes.

Submissions (2):

PreventionGenetics, part of Exact Sciences
Classification: Likely benign for LOXHD1-related condition. Last evaluated: 2026-06-04. Review status: criteria provided, single submitter. Criteria: ACMG Guidelines, 2015. Collection method: clinical testing. Allele origin: germline.
Comment: This variant is classified as likely benign based on ACMG/AMP sequence variant interpretation guidelines (Richards et al. 2015 PMID: 25741868, with internal and published modifications).

Labcorp Genetics (formerly Invitae), Labcorp
Classification: Likely benign. Last evaluated: 2025-10-30. Review status: criteria provided, single submitter. Criteria: Invitae Variant Classification Sherloc (09022015). Collection method: clinical testing. Allele origin: germline.

NM_001384474.1(LOXHD1):c.1302C>A (p.Thr434=)

Gene: LOXHD1 (lipoxygenase homology PLAT domains 1; minus strand). Cytogenetic location: 18q21.1.
Variant type: single nucleotide variant.
Coding change: c.1302C>A on transcript NM_001384474.1 (MANE Select); coding-DNA position 1302, C replaced by A.
Protein change: p.Thr434=; no amino-acid change (threonine 434 retained).
Molecular consequence: synonymous variant.
Genome position (GRCh38, 1-based): chr18:46,593,729, G>T on the plus strand (C>A on the coding strand, the complement: LOXHD1 is on the minus strand). VCF-style: chr18-46593729-G-T. GRCh37 (hg19) VCF-style: chr18-44173692-G-T.
Other names: c.1302C>A (NM_144612.6); c.1302C>A, p.Thr434= (NM_144612.7).
Identifiers: ClinVar variation 2052622 (VCV002052622.5), dbSNP rs377086603, ClinGen allele CA299804101.
Genomic context (GRCh38, chr18:46,593,729, plus strand): 5'-CCCCTTCTGCCCATAAATCTGGATGAAGATGGGAGAGTTGGTACCAGCTTTCTTTAGGTC[G>T]GTTGTCCAGACCCACAGGGACCAAGGGAATTCTGTAAGACAGATCAAGTTGCACCATAAA-3'
Protein context (NP_001371403.1, residues 424-444): KFPWSLWVWT[Thr434=]DLKKAGTNSP